The following is an entry in ClinVar:

NM_014297.5(ETHE1):c.81+4C>T

Gene: ETHE1 (ETHE1 persulfide dioxygenase; minus strand). Cytogenetic location: 19q13.31.
Variant type: single nucleotide variant.
Coding change: c.81+4C>T on transcript NM_014297.5 (MANE Select); 4 bases into the intron after coding-DNA position 81, C replaced by T.
Molecular consequence: intron variant.
Genome position (GRCh38, 1-based): chr19:43,527,093, G>A on the plus strand (C>T on the coding strand, the complement: ETHE1 is on the minus strand). VCF-style: chr19-43527093-G-A. GRCh37 (hg19) VCF-style: chr19-44031245-G-A.
Other names: c.81+4C>T (NM_001320869.2, NM_001320867.2); c.-140+4C>T (NM_001320868.2).
Identifiers: ClinVar variation 2096736 (VCV002096736.1), dbSNP rs1303226610, ClinGen allele CA882558676.

ClinVar aggregate classification (germline): Uncertain significance (1 of 4 stars; one submission).

Conditions:
Ethylmalonic encephalopathy (EE). Also called: Syndrome of encephalopathy, petechiae, and ethylmalonic aciduria; EPEMA syndrome; Encephalopathy, petechiae, and ethylmalonic aciduria. Identifiers: Orphanet 51188, MedGen C1865349, MONDO:0011229, OMIM 602473. Disease mechanism: loss of function.

Allele frequency attached by ClinVar (database versions not stated): TOPMed below 0.00001; gnomAD 0.00001.

Submission:

Labcorp Genetics (formerly Invitae), Labcorp
Classification: Uncertain significance for Ethylmalonic encephalopathy. Last evaluated: 2022-08-08. Review status: criteria provided, single submitter. Criteria: Invitae Variant Classification Sherloc (09022015). Collection method: clinical testing. Allele origin: germline.
Comment: This sequence change falls in intron 1 of the ETHE1 gene. It does not directly change the encoded amino acid sequence of the ETHE1 protein. It affects a nucleotide within the consensus splice site. This variant is not present in population databases (gnomAD no frequency). This variant has not been reported in the literature in individuals affected with ETHE1-related conditions. Variants that disrupt the consensus splice site are a relatively common cause of aberrant splicing (PMID: 17576681, 9536098). Algorithms developed to predict the effect of sequence changes on RNA splicing suggest that this variant may create or strengthen a splice site. In summary, the available evidence is currently insufficient to determine the role of this variant in disease. Therefore, it has been classified as a Variant of Uncertain Significance.

Literature cited by the submitters: PubMed 17576681; PubMed 9536098.